The following is an entry in ClinVar:

ClinVar aggregate classification (germline): Pathogenic/Likely pathogenic. Review status: criteria provided, multiple submitters, no conflicts (2 of 4 stars). 3 submissions from 3 submitters: Pathogenic (1); Likely pathogenic (2). Last evaluated 2024-11-21.

Conditions:
Neuronal ceroid lipofuscinosis. Also called: Neuronal Ceroid Lipofuscinoses. Identifiers: Orphanet 216, Orphanet 79263, MedGen C0027877, MONDO:0016295. Disease mechanism: loss of function.
Ceroid lipofuscinosis, neuronal, 6A. Also called: Neuronal ceroid lipofuscinosis, late infantile, variant; Neuronal ceroid lipofuscinosis, Gypsy/Indian early juvenile variant; Neuronal ceroid lipofuscinosis 6; CLN6-Related Neuronal Ceroid-Lipofuscinosis. Identifiers: Orphanet 168491, Orphanet 228363, MedGen C5551375, MONDO:0011144, OMIM 601780.

Submissions (3):

Labcorp Genetics (formerly Invitae), Labcorp
Classification: Pathogenic for Neuronal ceroid lipofuscinosis. Last evaluated: 2024-11-21. Review status: criteria provided, single submitter. Criteria: Invitae Variant Classification Sherloc (09022015). Collection method: clinical testing. Allele origin: germline.
Comment: This sequence change replaces methionine, which is neutral and non-polar, with threonine, which is neutral and polar, at codon 241 of the CLN6 protein (p.Met241Thr). This variant is not present in population databases (gnomAD no frequency). This missense change has been observed in individuals with CLN6-related disease (PMID: 12815591; internal data and external communication). ClinVar contains an entry for this variant (Variation ID: 431958). Invitae Evidence Modeling of protein sequence and biophysical properties (such as structural, functional, and spatial information, amino acid conservation, physicochemical variation, residue mobility, and thermodynamic stability) has been performed for this missense variant. However, the output from this modeling did not meet the statistical confidence thresholds required to predict the impact of this variant on CLN6 protein function. Experimental studies have shown that this missense change affects CLN6 function (PMID: 18811591, 20430023). This variant disrupts the p.Met241 amino acid residue in CLN6. Other variant(s) that disrupt this residue have been determined to be pathogenic (PMID: 30528883; internal data). This suggests that this residue is clinically significant, and that variants that disrupt this residue are likely to be disease-causing. For these reasons, this variant has been classified as Pathogenic.

Natera, Inc.
Classification: Likely pathogenic for Ceroid lipofuscinosis, neuronal, 6A. Last evaluated: 2024-06-05. Review status: criteria provided, single submitter. Criteria: Natera Variant Classification Schema (03/2026). Collection method: clinical testing. Allele origin: germline.
Comment: The c.722T>C variant in CLN6 is a missense variant predicted to cause substitution of methionine to threonine at amino acid 241. This variant is rare in the general population with a frequency below the threshold expected for the associated phenotype(s). This variant has been observed in one or more individuals affected with the associated recessive disease, as either homozygous or compound heterozygous with a second variant (PMID: 12815591). Functional studies show that this variant may disrupt protein function (PMID: 18811591). A different variant at the same position has been determined to be Pathogenic or Likely Pathogenic. Computational prediction algorithms indicate this variant is likely to affect gene or protein function. Given the available evidence, this variant is classified as Likely Pathogenic.

GeneDx
Classification: Likely pathogenic. Last evaluated: 2017-06-07. Review status: criteria provided, single submitter. Criteria: GeneDx Variant Classification (06012015). Collection method: clinical testing. Allele origin: germline. Affected: yes.
Comment: The M241T variant in the CLN6 gene has been reported previously, along with another variant, in a family with variant late infantile neuronal ceroid lipofuscinoses (Sharp et al., 2003). Functional studies of the M241T variant showed rapid proteasome-mediated degradation compared to wild type cells (Ng et al., 2010; Oresic et al., 2009). The M241T variant is not observed in large population cohorts (Lek et al., 2016; 1000 Genomes Consortium et al., 2015; Exome Variant Server). The M241T variant is a non-conservative amino acid substitution, which is likely to impact secondary protein structure as these residues differ in polarity, charge, size and/or other properties. This substitution occurs at a position that is conserved across species. We interpret M241T as a likely pathogenic variant,

Literature cited by the submitters: PubMed 12815591 (cited by Labcorp Genetics (formerly Invitae), Labcorp and Natera, Inc.); PubMed 18811591 (cited by Labcorp Genetics (formerly Invitae), Labcorp and Natera, Inc.); PubMed 20430023 (cited by Labcorp Genetics (formerly Invitae), Labcorp); PubMed 30528883 (cited by Labcorp Genetics (formerly Invitae), Labcorp).

NM_017882.3(CLN6):c.722T>C (p.Met241Thr)

Gene: CLN6 (CLN6 transmembrane ER protein; minus strand). Cytogenetic location: 15q23.
Variant type: single nucleotide variant.
Coding change: c.722T>C on transcript NM_017882.3 (MANE Select); coding-DNA position 722, T replaced by C.
Protein change: p.Met241Thr; replaces methionine 241 with threonine.
Molecular consequence: missense variant.
Genome position (GRCh38, 1-based): chr15:68,208,354, A>G on the plus strand (T>C on the coding strand, the complement: CLN6 is on the minus strand). VCF-style: chr15-68208354-A-G. GRCh37 (hg19) VCF-style: chr15-68500692-A-G.
Other names: short protein forms M241T.
Identifiers: ClinVar variation 431958 (VCV000431958.13), dbSNP rs1555438255, ClinGen allele CA392972143.
Genomic context (GRCh38, chr15:68,208,354, plus strand): 5'-AAGAGGCCGTTGCTGTCCAGGAAGAGGCGCTTGCGCTTCTGGTGCAGGACGAGGGCCAGC[A>G]TGGCGAAGAAGGTGAAGATGAAGAGGATGAAGATCTGGCCCTCGGTGACCAGGTACCTGG-3'
Protein context (NP_060352.1, residues 231-251): FILFIFTFFA[Met241Thr]LALVLHQKRK